The following is an entry in ClinVar:

NM_000363.5(TNNI3):c.131C>T (p.Ser44Leu)

Gene: TNNI3 (troponin I3, cardiac type; minus strand). Cytogenetic location: 19q13.42.
Variant type: single nucleotide variant.
Coding change: c.131C>T on transcript NM_000363.5 (MANE Select); coding-DNA position 131, C replaced by T.
Protein change: p.Ser44Leu; replaces serine 44 with leucine.
Molecular consequence: missense variant.
Genome position (GRCh38, 1-based): chr19:55,156,622, G>A on the plus strand (C>T on the coding strand, the complement: TNNI3 is on the minus strand). VCF-style: chr19-55156622-G-A. GRCh37 (hg19) VCF-style: chr19-55667990-G-A.
Other names: short protein forms S44L.
Identifiers: ClinVar variation 3231261 (VCV003231261.1), dbSNP rs730881085, ClinGen allele CA407442404.

ClinVar aggregate classification (germline): Uncertain significance (1 of 4 stars; one submission).

Conditions:
Cardiovascular phenotype. Identifiers: MedGen CN230736.

Submission:

Ambry Genetics
Classification: Uncertain significance for Cardiovascular phenotype. Last evaluated: 2023-11-28. Review status: criteria provided, single submitter. Criteria: Ambry Variant Classification Scheme 2023. Collection method: clinical testing. Allele origin: germline.
Comment: The p.S44L variant (also known as c.131C>T), located in coding exon 4 of the TNNI3 gene, results from a C to T substitution at nucleotide position 131. The serine at codon 44 is replaced by leucine, an amino acid with dissimilar properties. This amino acid position is highly conserved in available vertebrate species. In addition, this alteration is predicted to be deleterious by in silico analysis. Since supporting evidence is limited at this time, the clinical significance of this alteration remains unclear.